The following is an entry in ClinVar:

ClinVar aggregate classification (germline): Uncertain significance. Review status: criteria provided, multiple submitters, no conflicts (2 of 4 stars). 4 submissions from 4 submitters: Uncertain significance (4). Last evaluated 2025-12-10.

Conditions:
Mitochondrial complex IV deficiency, nuclear type 4. Also called: Mitochondrial complex 4 deficiency, nuclear type 4. Identifiers: MedGen C5436683, MONDO:0033636, OMIM 619048.
Inborn genetic diseases. Identifiers: MedGen C0950123, MeSH D030342.

Allele frequency attached by ClinVar (database versions not stated): gnomAD 0.00004 and 0.00008; TOPMed 0.00004; gnomAD exomes 0.00006 and 0.00010; ExAC 0.00015; ESP Exome Variant Server 0.00015; 1000 Genomes Project 30x 0.00016; 1000 Genomes Project 0.00020.
gnomAD v4.1: 103 of 1,614,066 alleles (0.0064%); highest among the groups gnomAD compares: South Asian, 0.055%; no homozygotes.

Submissions (4):

GeneDx
Classification: Uncertain significance. Last evaluated: 2025-12-10. Review status: criteria provided, single submitter. Criteria: GeneDx Variant Classification Process June 2021. Collection method: clinical testing. Allele origin: germline. Affected: yes.
Comment: In silico analysis suggests that this missense variant does not alter protein structure/function; Has not been previously published as pathogenic or benign to our knowledge; In silico analysis suggests this variant may impact gene splicing. In the absence of RNA/functional studies, the actual effect of this sequence change is unknown

Ambry Genetics
Classification: Uncertain significance for Inborn genetic diseases. Last evaluated: 2024-07-09. Review status: criteria provided, single submitter. Criteria: Ambry Variant Classification Scheme 2023. Collection method: clinical testing. Allele origin: germline.

Blueprint Genetics
Classification: Uncertain significance. Last evaluated: 2023-09-13. Review status: criteria provided, single submitter. Criteria: ACMG Guidelines, 2015. Collection method: clinical testing. Allele origin: germline.

Fulgent Genetics
Classification: Uncertain significance for Mitochondrial complex IV deficiency, nuclear type 4. Last evaluated: 2022-05-09. Review status: criteria provided, single submitter. Criteria: ACMG Guidelines, 2015. Collection method: clinical testing. Allele origin: unknown.

NM_004589.4(SCO1):c.430A>G (p.Thr144Ala)

Gene: SCO1 (synthesis of cytochrome C oxidase 1; minus strand). Cytogenetic location: 17p13.1.
Variant type: single nucleotide variant.
Coding change: c.430A>G on transcript NM_004589.4 (MANE Select); coding-DNA position 430, A replaced by G.
Protein change: p.Thr144Ala; replaces threonine 144 with alanine.
Molecular consequence: missense variant.
Genome position (GRCh38, 1-based): chr17:10,692,896, T>C on the plus strand (A>G on the coding strand, the complement: SCO1 is on the minus strand). VCF-style: chr17-10692896-T-C. GRCh37 (hg19) VCF-style: chr17-10596213-T-C.
Other names: short protein forms T144A.
Identifiers: ClinVar variation 215125 (VCV000215125.6), dbSNP rs368098002, ClinGen allele CA324000.